The following is an entry in ClinVar:

NM_012418.4(FSCN2):c.548G>A (p.Arg183Gln)

Gene: FSCN2 (fascin actin-bundling protein 2, retinal; plus strand). Cytogenetic location: 17q25.3.
Variant type: single nucleotide variant.
Coding change: c.548G>A on transcript NM_012418.4 (MANE Select); coding-DNA position 548, G replaced by A.
Protein change: p.Arg183Gln; replaces arginine 183 with glutamine.
Molecular consequence: missense variant.
Genome position (GRCh38, 1-based): chr17:81,529,079, G>A. VCF-style: chr17-81529079-G-A. GRCh37 (hg19) VCF-style: chr17-79496105-G-A.
Other names: c.548G>A, p.Arg183Gln (NM_001077182.3); c.548G>A (NM_001077182.2); short protein forms R183Q.
Identifiers: ClinVar variation 1388148 (VCV001388148.7), dbSNP rs782022102, ClinGen allele CA8836715.

ClinVar aggregate classification (germline): Conflicting classifications of pathogenicity. Review status: criteria provided, conflicting classifications (1 of 4 stars). 2 submissions from 2 submitters: Uncertain significance (1); Likely benign (1). Last evaluated 2025-09-28.

Allele frequency attached by ClinVar (database versions not stated): gnomAD exomes 0.00002; TOPMed 0.00003; gnomAD 0.00004; ExAC 0.00005.
gnomAD v4.1: 19 of 1,590,642 alleles (0.0012%); highest among the groups gnomAD compares: African/African-American, 0.012%; no homozygotes.

Submissions (2):

Labcorp Genetics (formerly Invitae), Labcorp
Classification: Uncertain significance. Last evaluated: 2025-09-28. Review status: criteria provided, single submitter. Criteria: Invitae Variant Classification Sherloc (09022015). Collection method: clinical testing. Allele origin: germline.
Comment: This sequence change replaces arginine, which is basic and polar, with glutamine, which is neutral and polar, at codon 183 of the FSCN2 protein (p.Arg183Gln). The frequency data for this variant in the population databases is considered unreliable, as metrics indicate poor data quality at this position in the gnomAD database. This variant has not been reported in the literature in individuals affected with FSCN2-related conditions. ClinVar contains an entry for this variant (Variation ID: 1388148). An algorithm developed to predict the effect of missense changes on protein structure and function outputs the following: PolyPhen-2: "Benign". The glutamine amino acid residue is found in multiple mammalian species, which suggests that this missense change does not adversely affect protein function. In summary, the available evidence is currently insufficient to determine the role of this variant in disease. Therefore, it has been classified as a Variant of Uncertain Significance.

Ambry Genetics
Classification: Likely benign. Last evaluated: 2023-07-12. Review status: criteria provided, single submitter. Criteria: Ambry Variant Classification Scheme 2023. Collection method: clinical testing. Allele origin: germline.